The following is an entry in ClinVar:

ClinVar aggregate classification (germline): Uncertain significance (1 of 4 stars; one submission).

Allele frequency attached by ClinVar (database versions not stated): gnomAD exomes below 0.00001; ExAC 0.00001.
gnomAD v4.1: 4 of 1,613,736 alleles (0.00025%); highest among the groups gnomAD compares: East Asian, 0.0089%; no homozygotes.

Submission:

Labcorp Genetics (formerly Invitae), Labcorp
Classification: Uncertain significance. Last evaluated: 2024-08-05. Review status: criteria provided, single submitter. Criteria: Invitae Variant Classification Sherloc (09022015). Collection method: clinical testing. Allele origin: germline.
Comment: This sequence change replaces proline, which is neutral and non-polar, with serine, which is neutral and polar, at codon 531 of the INTU protein (p.Pro531Ser). This variant is present in population databases (rs757264336, gnomAD 0.01%). This variant has not been reported in the literature in individuals affected with INTU-related conditions. ClinVar contains an entry for this variant (Variation ID: 2041455). Advanced modeling of protein sequence and biophysical properties (such as structural, functional, and spatial information, amino acid conservation, physicochemical variation, residue mobility, and thermodynamic stability) has been performed at Invitae for this missense variant, however the output from this modeling did not meet the statistical confidence thresholds required to predict the impact of this variant on INTU protein function. In summary, the available evidence is currently insufficient to determine the role of this variant in disease. Therefore, it has been classified as a Variant of Uncertain Significance.

NM_015693.4(INTU):c.1591C>T (p.Pro531Ser)

Gene: INTU (inturned planar cell polarity protein; plus strand). Cytogenetic location: 4q28.1.
Variant type: single nucleotide variant.
Coding change: c.1591C>T on transcript NM_015693.4 (MANE Select); coding-DNA position 1591, C replaced by T.
Protein change: p.Pro531Ser; replaces proline 531 with serine.
Molecular consequence: missense variant.
Genome position (GRCh38, 1-based): chr4:127,705,615, C>T. VCF-style: chr4-127705615-C-T. GRCh37 (hg19) VCF-style: chr4-128626770-C-T.
Other names: short protein forms P531S.
Identifiers: ClinVar variation 2041455 (VCV002041455.4), dbSNP rs757264336, ClinGen allele CA3075144.
Genomic context (GRCh38, chr4:127,705,615, plus strand): 5'-ACTGGTAGACTTTTGCTCTTTGTGGTTAAATTCAAGGGTTATTTGATATGCAGTCATTTG[C>T]CCAAGGATGATCTTATTGATATTGCCGTATACTGTCGCCACTATTGCCTGCTGCCTTTAG-3'
Protein context (NP_056508.2, residues 521-541): YKGYLICSHL[Pro531Ser]KDDLIDIAVY